The following is an entry in ClinVar:

NM_000088.4(COL1A1):c.1002+5G>C

Gene: COL1A1 (collagen type I alpha 1 chain; minus strand). Cytogenetic location: 17q21.33.
Variant type: single nucleotide variant.
Coding change: c.1002+5G>C on transcript NM_000088.4 (MANE Select); 5 bases into the intron after coding-DNA position 1002, G replaced by C.
Molecular consequence: intron variant.
Genome position (GRCh38, 1-based): chr17:50,196,150, C>G on the plus strand (G>C on the coding strand, the complement: COL1A1 is on the minus strand). VCF-style: chr17-50196150-C-G. GRCh37 (hg19) VCF-style: chr17-48273511-C-G.
Identifiers: ClinVar variation 3661246 (VCV003661246.2).

ClinVar aggregate classification (germline): Likely pathogenic (1 of 4 stars; one submission).

Conditions:
Osteogenesis imperfecta type I (OI1). Also called: Lobstein's Disease; Lobstein disease; Classic Non-deforming Osteogenesis Imperfecta with Blue Sclerae; OI, TYPE I; OSTEOGENESIS IMPERFECTA TARDA; OSTEOGENESIS IMPERFECTA WITH BLUE SCLERAE. Identifiers: Orphanet 216796, Orphanet 666, MedGen C0023931, MONDO:0008146, OMIM 166200. Disease mechanism: loss of function.

Submission:

Labcorp Genetics (formerly Invitae), Labcorp
Classification: Likely pathogenic for Osteogenesis imperfecta type I. Last evaluated: 2024-08-02. Review status: criteria provided, single submitter. Criteria: Invitae Variant Classification Sherloc (09022015). Collection method: clinical testing. Allele origin: germline.
Comment: This sequence change falls in intron 15 of the COL1A1 gene. It does not directly change the encoded amino acid sequence of the COL1A1 protein. It affects a nucleotide within the consensus splice site. This variant is not present in population databases (gnomAD no frequency). This variant has been observed in individual(s) with osteogenesis imperfecta (Invitae). Variants that disrupt the consensus splice site are a relatively common cause of aberrant splicing (PMID: 17576681, 9536098). Algorithms developed to predict the effect of sequence changes on RNA splicing suggest that this variant may disrupt the consensus splice site. This variant disrupts the c.1002+5G nucleotide in the COL1A1 gene. Other variant(s) that disrupt this nucleotide have been determined to be pathogenic (PMID: 37270749, 37810882). This suggests that this nucleotide is clinically significant, and that variants that disrupt this position are likely to be disease-causing. In summary, the currently available evidence indicates that the variant is pathogenic, but additional data are needed to prove that conclusively. Therefore, this variant has been classified as Likely Pathogenic.

Literature cited by the submitters: PubMed 17576681; PubMed 9536098; PubMed 37270749; PubMed 37810882.